The following is an entry in ClinVar:

ClinVar aggregate classification (germline): Uncertain significance (1 of 4 stars; one submission).

Conditions:
RPGR-related retinopathy. Also called: RPGR retinopathy. Identifiers: MedGen CN305589, MONDO:0100437.

gnomAD v4.1: 1 of 1,203,790 alleles (0.000083%); highest among the groups gnomAD compares: East Asian, 0.003%; no homozygotes.

Submission:

Myriad Genetics, Inc.
Classification: Uncertain significance for RPGR-related retinopathy. Last evaluated: 2026-02-18. Review status: criteria provided, single submitter. Criteria: Myriad Autosomal Dominant, Autosomal Recessive and X-Linked Classification Criteria (2023). Collection method: clinical testing. Allele origin: unknown.
Comment: NM_000328.2(RPGR):c.154+4A>G is an intronic variant classified as a variant of uncertain significance in the context of X-linked retinal dystrophy, RPGR-related. c.154+4A>G has been observed in a case with relevant disease (PMID: 30245926). Relevant functional assessments of this variant are not available in the literature. c.154+4A>G has been observed in referenced population frequency databases. In summary, there is insufficient evidence to classify NM_000328.2(RPGR):c.154+4A>G as pathogenic or benign. Please note: this variant was assessed in the context of healthy population screening.

Literature cited by the submitters: PubMed 30245926.

NM_001034853.2(RPGR):c.154+4A>G

Gene: RPGR (retinitis pigmentosa GTPase regulator; minus strand). Cytogenetic location: Xp11.4.
Variant type: single nucleotide variant.
Coding change: c.154+4A>G on transcript NM_001034853.2 (MANE Select); 4 bases into the intron after coding-DNA position 154, A replaced by G.
Molecular consequence: intron variant.
Genome position (GRCh38, 1-based): chrX:38,323,395, T>C on the plus strand (A>G on the coding strand, the complement: RPGR is on the minus strand). VCF-style: chrX-38323395-T-C. GRCh37 (hg19) VCF-style: chrX-38182648-T-C.
Other names: c.154+4A>G (NM_001367249.1, NM_001367250.1, NM_001367245.1 and 4 more transcripts); c.184+4A>G (NM_001367248.1).
Identifiers: ClinVar variation 5004018 (VCV005004018.1).